The following is an entry in ClinVar:

ClinVar aggregate classification (germline): Uncertain significance (1 of 4 stars; one submission).

Conditions:
Congenital myasthenic syndrome 4A. Also called: Myasthenic syndrome, congenital, 4a, slow-channel; MYASTHENIC SYNDROME, CONGENITAL, 4A, SLOW-CHANNEL, AUTOSOMAL RECESSIVE; CONGENITAL MYASTHENIC SYNDROME TYPE Ia1. Identifiers: Orphanet 590, MedGen C4225413, MONDO:0011600, OMIM 605809.

Submission:

Labcorp Genetics (formerly Invitae), Labcorp
Classification: Uncertain significance for Congenital myasthenic syndrome 4A. Last evaluated: 2022-06-03. Review status: criteria provided, single submitter. Criteria: Invitae Variant Classification Sherloc (09022015). Collection method: clinical testing. Allele origin: germline.
Comment: This variant is not present in population databases (gnomAD no frequency). In summary, the available evidence is currently insufficient to determine the role of this variant in disease. Therefore, it has been classified as a Variant of Uncertain Significance. Advanced modeling of protein sequence and biophysical properties (such as structural, functional, and spatial information, amino acid conservation, physicochemical variation, residue mobility, and thermodynamic stability) performed at Invitae indicates that this missense variant is not expected to disrupt CHRNE protein function. ClinVar contains an entry for this variant (Variation ID: 969782). This variant has not been reported in the literature in individuals affected with CHRNE-related conditions. This sequence change replaces asparagine, which is neutral and polar, with tyrosine, which is neutral and polar, at codon 278 of the CHRNE protein (p.Asn278Tyr).

NM_000080.4(CHRNE):c.832A>T (p.Asn278Tyr)

Genes: C17orf107 (chromosome 17 open reading frame 107; plus strand), CHRNE (cholinergic receptor nicotinic epsilon subunit; minus strand). Cytogenetic location: 17p13.2.
Variant type: single nucleotide variant.
Coding change: c.832A>T on transcript NM_000080.4 (MANE Select); coding-DNA position 832, A replaced by T.
Protein change: p.Asn278Tyr; replaces asparagine 278 with tyrosine.
Molecular consequence: missense variant. On other transcripts: 3 prime UTR variant (1).
Genome position (GRCh38, 1-based): chr17:4,900,878, T>A on the plus strand (A>T on the coding strand, the complement: CHRNE is on the minus strand). VCF-style: chr17-4900878-T-A. GRCh37 (hg19) VCF-style: chr17-4804173-T-A.
Other names: c.*345T>A (NM_001145536.2); short protein forms N278Y.
Identifiers: ClinVar variation 969782 (VCV000969782.10), dbSNP rs1284578156, ClinGen allele CA397304563.